The following is an entry in ClinVar:

NM_005518.4(HMGCS2):c.727A>G (p.Lys243Glu)

Gene: HMGCS2 (3-hydroxy-3-methylglutaryl-CoA synthase 2; minus strand). Cytogenetic location: 1p12.
Variant type: single nucleotide variant.
Coding change: c.727A>G on transcript NM_005518.4 (MANE Select); coding-DNA position 727, A replaced by G.
Protein change: p.Lys243Glu; replaces lysine 243 with glutamic acid.
Molecular consequence: missense variant.
Genome position (GRCh38, 1-based): chr1:119,759,241, T>C on the plus strand (A>G on the coding strand, the complement: HMGCS2 is on the minus strand). VCF-style: chr1-119759241-T-C. GRCh37 (hg19) VCF-style: chr1-120301864-T-C.
Other names: c.601A>G, p.Lys201Glu (NM_001166107.1); short protein forms K201E, K243E.
Identifiers: ClinVar variation 2444726 (VCV002444726.1), dbSNP rs1247037912, ClinGen allele CA341862466.

ClinVar aggregate classification (germline): Uncertain significance (1 of 4 stars; one submission).

gnomAD v4.1: 1 of 1,614,092 alleles (0.000062%); no homozygotes.

Submission:

GeneDx
Classification: Uncertain significance. Last evaluated: 2022-09-15. Review status: criteria provided, single submitter. Criteria: GeneDx Variant Classification Process June 2021. Collection method: clinical testing. Allele origin: germline. Affected: yes.
Comment: Not observed at significant frequency in large population cohorts (gnomAD); Missense variants in this gene are often considered pathogenic (HGMD); In silico analysis supports that this missense variant has a deleterious effect on protein structure/function; Has not been previously published as pathogenic or benign to our knowledge; This variant is associated with the following publications: (PMID: 20346956)